The following is an entry in ClinVar:

NM_001005361.3(DNM2):c.1885A>G (p.Lys629Glu)

Gene: DNM2 (dynamin 2; plus strand). Cytogenetic location: 19p13.2.
Variant type: single nucleotide variant.
Coding change: c.1885A>G on transcript NM_001005361.3 (MANE Select); coding-DNA position 1885, A replaced by G.
Protein change: p.Lys629Glu; replaces lysine 629 with glutamic acid.
Molecular consequence: missense variant.
Genome position (GRCh38, 1-based): chr19:10,823,891, A>G. VCF-style: chr19-10823891-A-G. GRCh37 (hg19) VCF-style: chr19-10934567-A-G.
Other names: c.1885A>G, p.Lys629Glu (NM_001005360.3, NM_001190716.2); c.1873A>G, p.Lys625Glu (NM_001005362.3, NM_004945.4); short protein forms K629E, K625E.
Identifiers: ClinVar variation 3677895 (VCV003677895.2).

ClinVar aggregate classification (germline): Uncertain significance (1 of 4 stars; one submission).

Conditions:
Charcot-Marie-Tooth disease dominant intermediate B (CMTDIB). Also called: Charcot-Marie-Tooth disease dominant intermediate 1; CMT DI1; Charcot-Marie-Tooth disease dominant intermediate I; CHARCOT-MARIE-TOOTH NEUROPATHY, DOMINANT INTERMEDIATE B. Identifiers: Orphanet 100044, Orphanet 228179, MedGen C1847902, MONDO:0011674, OMIM 606482.

Submission:

Labcorp Genetics (formerly Invitae), Labcorp
Classification: Uncertain significance for Charcot-Marie-Tooth disease dominant intermediate B. Last evaluated: 2024-02-01. Review status: criteria provided, single submitter. Criteria: Invitae Variant Classification Sherloc (09022015). Collection method: clinical testing. Allele origin: germline.
Comment: This sequence change replaces lysine, which is basic and polar, with glutamic acid, which is acidic and polar, at codon 629 of the DNM2 protein (p.Lys629Glu). This variant is not present in population databases (gnomAD no frequency). This variant has not been reported in the literature in individuals affected with DNM2-related conditions. Advanced modeling of protein sequence and biophysical properties (such as structural, functional, and spatial information, amino acid conservation, physicochemical variation, residue mobility, and thermodynamic stability) has been performed at Invitae for this missense variant, however the output from this modeling did not meet the statistical confidence thresholds required to predict the impact of this variant on DNM2 protein function. In summary, the available evidence is currently insufficient to determine the role of this variant in disease. Therefore, it has been classified as a Variant of Uncertain Significance.